The following is an entry in ClinVar:

ClinVar aggregate classification (germline): Likely pathogenic (1 of 4 stars; one submission).

Submission:

CeGaT Center for Human Genetics Tuebingen
Classification: Likely pathogenic. Last evaluated: 2026-07-01. Review status: criteria provided, single submitter. Criteria: CeGaT Center For Human Genetics Tuebingen Variant Classification Criteria Version 2. Collection method: clinical testing. Allele origin: germline. Affected: yes. Observed: 1 variant allele.
Comment: ASXL1: PVS1:Strong, PM2

NM_015338.6(ASXL1):c.2564_2567del (p.Asp855fs)

Gene: ASXL1 (ASXL transcriptional regulator 1; plus strand). Cytogenetic location: 20q11.21.
Variant type: Deletion.
Coding change: c.2564_2567del on transcript NM_015338.6 (MANE Select); coding-DNA positions 2564 to 2567, 4 bases deleted (ATTG; older notation c.2564_2567delATTG).
Protein change: p.Asp855fs; shifts the reading frame from aspartic acid 855.
Molecular consequence: frameshift variant.
Genome position (GRCh38, 1-based): chr20:32,435,276-32,435,279, ATTG deleted; deleting any 4 consecutive bases within chr20:32,435,274-32,435,279 gives the same sequence; the c. name uses the placement nearest the transcript's 3' end. VCF-style (leftmost placement, unchanged base first): chr20-32435273-CTGAT-C. GRCh37 (hg19) VCF-style: chr20-31023076-CTGAT-C.
Other names: c.2381_2384del, p.Asp794fs (NM_001363734.1); short protein forms D794fs, D855fs.
Identifiers: ClinVar variation 5039338 (VCV005039338.1).
Genomic context (GRCh38, chr20:32,435,273, plus strand): 5'-ATCCCACTATGAAGGATCCTGTAAATGTGACCCCCAGTTCCACACCTGAATCCTCACCGA[CTGAT>C]TGCCTGCAGAACAGAGCATTTGATGACGAATTAGGGCTTGGTGGCTCATGCCCTCCTATG-3'